The following is an entry in ClinVar:

ClinVar aggregate classification (germline): Likely benign. Review status: criteria provided, multiple submitters, no conflicts (2 of 4 stars). 2 submissions from 2 submitters: Likely benign (2). Last evaluated 2018-06-14.

Allele frequency attached by ClinVar (database versions not stated): 1000 Genomes Project 30x 0.01390; 1000 Genomes Project 0.01458; TOPMed 0.02542; gnomAD 0.02848 and 0.02922.
gnomAD v4.1: 4,355 of 152,274 alleles (2.9%); highest among the groups gnomAD compares: Non-Finnish European, 4%; 73 homozygotes.

Submissions (2):

GeneDx
Classification: Likely benign. Last evaluated: 2018-06-14. Review status: criteria provided, single submitter. Criteria: GeneDx Variant Classification (06012015). Collection method: clinical testing. Allele origin: germline. Affected: yes.
Comment: This variant is considered likely benign or benign based on one or more of the following criteria: it is a conservative change, it occurs at a poorly conserved position in the protein, it is predicted to be benign by multiple in silico algorithms, and/or has population frequency not consistent with disease.

Breakthrough Genomics
Classification: Likely benign. Review status: criteria provided, single submitter. Criteria: ACMG Guidelines, 2015. Collection method: not provided. Allele origin: germline. Inheritance: Autosomal dominant inheritance. Affected: yes.

NM_001103.4(ACTN2):c.1656+159G>A

Gene: ACTN2 (actinin alpha 2; plus strand). Cytogenetic location: 1q43.
Variant type: single nucleotide variant.
Coding change: c.1656+159G>A on transcript NM_001103.4 (MANE Select); 159 bases into the intron after coding-DNA position 1656, G replaced by A.
Molecular consequence: intron variant.
Genome position (GRCh38, 1-based): chr1:236,749,423, G>A. VCF-style: chr1-236749423-G-A. GRCh37 (hg19) VCF-style: chr1-236912723-G-A.
Other names: c.1032+159G>A (NM_001278344.2); c.1656+159G>A (NM_001278343.2).
Identifiers: ClinVar variation 675291 (VCV000675291.2), dbSNP rs112529745, ClinGen allele CA39737605.
Genomic context (GRCh38, chr1:236,749,423, plus strand): 5'-AAAAAAATTAACAAATGTGGCTAGAAAGCCCAAATTACCCTTGAACCTTAGCTTAAAAAT[G>A]TGTTTAGTACTCTGTGTTGCAAACCCGTTAAAATCAATCAAGTAATGGTGAATGTGTCTC-3'